The following is an entry in ClinVar:

NM_000127.3(EXT1):c.1888dup (p.Tyr630fs)

Gene: EXT1 (exostosin glycosyltransferase 1; minus strand). Cytogenetic location: 8q24.11.
Variant type: Duplication.
Coding change: c.1888dup on transcript NM_000127.3 (MANE Select); coding-DNA position 1888, one base duplicated (T; older notation c.1888dupT).
Protein change: p.Tyr630fs; shifts the reading frame from tyrosine 630.
Molecular consequence: frameshift variant.
Genome position (GRCh38, 1-based): chr8:117,804,889, A duplicated on the plus strand (T on the coding strand, the reverse complement: EXT1 is on the minus strand); the first of 2 consecutive A bases (chr8:117,804,889-117,804,890); duplicating either gives the same sequence. VCF-style (leftmost placement, unchanged base first): chr8-117804888-T-TA. GRCh37 (hg19) VCF-style: chr8-118817127-T-TA.
Other names: short protein forms Y630fs.
Identifiers: ClinVar variation 2726357 (VCV002726357.3), dbSNP rs2488085721, ClinGen allele CA2697550115.

ClinVar aggregate classification (germline): Pathogenic (1 of 4 stars; one submission).

Conditions:
Multiple congenital exostosis (EXT). Also called: Hereditary multiple osteochondromas; Multiple exostoses; Hereditary multiple exostoses; Hereditary multiple exostosis; Multiple osteochondromas; MULTIPLE CARTILAGINOUS EXOSTOSES. Identifiers: Orphanet 321, MedGen C0015306, MONDO:0005508, HP:0002762.

Submission:

Labcorp Genetics (formerly Invitae), Labcorp
Classification: Pathogenic for Multiple congenital exostosis. Last evaluated: 2023-06-23. Review status: criteria provided, single submitter. Criteria: Invitae Variant Classification Sherloc (09022015). Collection method: clinical testing. Allele origin: germline.
Comment: For these reasons, this variant has been classified as Pathogenic. This variant has not been reported in the literature in individuals affected with EXT1-related conditions. This variant is not present in population databases (gnomAD no frequency). This sequence change creates a premature translational stop signal (p.Tyr630Leufs*24) in the EXT1 gene. It is expected to result in an absent or disrupted protein product. Loss-of-function variants in EXT1 are known to be pathogenic (PMID: 10679937, 11391482, 19810120).

Literature cited by the submitters: PubMed 10679937; PubMed 11391482; PubMed 19810120.